The following is an entry in ClinVar:

NC_000002.12:g.233757027T>C

Genes: UGT1A (UDP glucuronosyltransferase family 1 member A complex locus; plus strand), UGT1A1 (UDP glucuronosyltransferase family 1 member A1; plus strand), UGT1A10 (UDP glucuronosyltransferase family 1 member A10; plus strand), UGT1A3 (UDP glucuronosyltransferase family 1 member A3; plus strand), UGT1A4 (UDP glucuronosyltransferase family 1 member A4; plus strand) and 5 more. Cytogenetic location: 2q37.1.
Variant type: single nucleotide variant.
Molecular consequence: intron variant (on NM_019076.5).
Genome position: GRCh38 VCF-style: chr2-233757027-T-C. GRCh37 (hg19) VCF-style: chr2-234665673-T-C.
Other names: c.856-10007T>C (NM_019076.5, NM_019075.4, NM_021027.3 and 1 more transcripts); c.61-10007T>C (NM_205862.3); c.862-10007T>C (NM_001072.4); c.868-10007T>C (NM_019078.2, NM_007120.3, NM_019093.4).
Identifiers: ClinVar variation 4985396 (VCV004985396.1).
Genomic context (GRCh38, chr2:233,757,027, plus strand): 5'-CACGCAATGAACAGTCATAGTAAGCTGGCCAAGGGTAGAGTTCAGTTTGAACAAAGCAAT[T>C]TGAGAACATCAAAGGAAGTTTGGGGAACAGCAAGGGATCCAGAATGGCTAGAGGGTAAGA-3'

ClinVar aggregate classification (germline): Likely benign (1 of 4 stars; one submission).

Conditions:
UGT1A1-related disorder. Also called: UGT1A1-related disorders; UGT1A1-related condition.

gnomAD v4.1: 2 of 151,348 alleles (0.0013%); highest among the groups gnomAD compares: African/African-American, 0.0049%; no homozygotes.

Submission:

PreventionGenetics, part of Exact Sciences
Classification: Likely benign for UGT1A1-related condition. Last evaluated: 2025-07-23. Review status: criteria provided, single submitter. Criteria: ACMG Guidelines, 2015. Collection method: clinical testing. Allele origin: germline.
Comment: This variant is classified as likely benign based on ACMG/AMP sequence variant interpretation guidelines (Richards et al. 2015 PMID: 25741868, with internal and published modifications).